The following is an entry in ClinVar:

ClinVar aggregate classification (germline): Uncertain significance (1 of 4 stars; one submission).

Submission:

GeneDx
Classification: Uncertain significance. Last evaluated: 2022-06-17. Review status: criteria provided, single submitter. Criteria: GeneDx Variant Classification Process June 2021. Collection method: clinical testing. Allele origin: germline. Affected: yes.
Comment: Not observed at significant frequency in large population cohorts (gnomAD); In silico analysis supports a deleterious effect on protein structure/function; Has not been previously published as pathogenic or benign to our knowledge

NM_020774.4(MIB1):c.2888_2889delinsTT (p.Cys963Phe)

Gene: MIB1 (MIB E3 ubiquitin protein ligase 1; plus strand). Cytogenetic location: 18q11.2.
Variant type: Indel.
Coding change: c.2888_2889delinsTT on transcript NM_020774.4 (MANE Select); coding-DNA positions 2888 to 2889, GC replaced by TT.
Protein change: p.Cys963Phe; replaces cysteine 963 with phenylalanine.
Molecular consequence: missense variant.
Genome position (GRCh38, 1-based): chr18:21,864,533-21,864,534, GC replaced by TT. VCF-style: chr18-21864533-GC-TT. GRCh37 (hg19) VCF-style: chr18-19444494-GC-TT.
Other names: c.2888_2889delGCinsTT, p.Cys963Phe (NM_020774.3); short protein forms C963F.
Identifiers: ClinVar variation 1804252 (VCV001804252.1), dbSNP rs2510609709, ClinGen allele CA2580095465.